The following is an entry in ClinVar:

NM_203447.4(DOCK8):c.3391-287A>G

Gene: DOCK8 (dedicator of cytokinesis 8; plus strand). Cytogenetic location: 9p24.3.
Variant type: single nucleotide variant.
Coding change: c.3391-287A>G on transcript NM_203447.4 (MANE Select); 287 bases into the intron before coding-DNA position 3391, A replaced by G.
Molecular consequence: intron variant.
Genome position (GRCh38, 1-based): chr9:406,643, A>G. VCF-style: chr9-406643-A-G. GRCh37 (hg19) VCF-style: chr9-406643-A-G.
Other names: c.3187-287A>G (NM_001193536.2); c.3091-287A>G (NM_001190458.2).
Identifiers: ClinVar variation 673668 (VCV000673668.1), dbSNP rs74402179, ClinGen allele CA187766648.

ClinVar aggregate classification (germline): Benign (1 of 4 stars; one submission).

Allele frequency attached by ClinVar (database versions not stated): gnomAD 0.01914 and 0.02024; TOPMed 0.02035; 1000 Genomes Project 0.02716; 1000 Genomes Project 30x 0.02858.
gnomAD v4.1: 2,884 of 152,094 alleles (1.9%); highest among the groups gnomAD compares: African/African-American, 6.4%; 82 homozygotes.

Submission:

GeneDx
Classification: Benign. Last evaluated: 2018-06-16. Review status: criteria provided, single submitter. Criteria: GeneDx Variant Classification (06012015). Collection method: clinical testing. Allele origin: germline. Affected: yes.
Comment: This variant is considered likely benign or benign based on one or more of the following criteria: it is a conservative change, it occurs at a poorly conserved position in the protein, it is predicted to be benign by multiple in silico algorithms, and/or has population frequency not consistent with disease.